The following is an entry in ClinVar:

NM_000222.3(KIT):c.1115+3A>G

Gene: KIT (KIT proto-oncogene, receptor tyrosine kinase; plus strand). Cytogenetic location: 4q12.
Variant type: single nucleotide variant.
Coding change: c.1115+3A>G on transcript NM_000222.3 (MANE Select); 3 bases into the intron after coding-DNA position 1115, A replaced by G.
Molecular consequence: intron variant.
Genome position (GRCh38, 1-based): chr4:54,707,290, A>G. VCF-style: chr4-54707290-A-G. GRCh37 (hg19) VCF-style: chr4-55573456-A-G.
Other names: c.1118+3A>G (NM_001385284.1, NM_001385290.1, NM_001385288.1 and 1 more transcripts); c.1115+3A>G (NM_001385285.1, NM_001093772.2, NM_001385286.1).
Identifiers: ClinVar variation 960009 (VCV000960009.8), dbSNP rs1720850807, ClinGen allele CA1139655843.

ClinVar aggregate classification (germline): Uncertain significance (1 of 4 stars; one submission).

Conditions:
Gastrointestinal stromal tumor. Also called: Gastrointestinal stromal tumor, somatic; Gastrointestinal stroma tumor. Identifiers: Orphanet 44890, MedGen C0238198, MeSH D046152, MONDO:0011719, OMIM 606764, HP:0100723.

Allele frequency attached by ClinVar (database versions not stated): gnomAD exomes below 0.00001.
gnomAD v4.1: 1 of 1,598,888 alleles (0.000063%); highest among the groups gnomAD compares: Non-Finnish European, 0.000086%; no homozygotes.

Submission:

Labcorp Genetics (formerly Invitae), Labcorp
Classification: Uncertain significance for Gastrointestinal stromal tumor. Last evaluated: 2020-11-24. Review status: criteria provided, single submitter. Criteria: Invitae Variant Classification Sherloc (09022015). Collection method: clinical testing. Allele origin: germline.
Comment: In summary, the available evidence is currently insufficient to determine the role of this variant in disease. Therefore, it has been classified as a Variant of Uncertain Significance. Nucleotide substitutions within the consensus splice site are a relatively common cause of aberrant splicing (PMID: 17576681, 9536098). Algorithms developed to predict the effect of sequence changes on RNA splicing suggest that this variant is not likely to affect RNA splicing, but this prediction has not been confirmed by published transcriptional studies. This variant has not been reported in the literature in individuals with KIT-related conditions. This variant is not present in population databases (ExAC no frequency). This sequence change falls in intron 6 of the KIT gene. It does not directly change the encoded amino acid sequence of the KIT protein, but it affects a nucleotide within the consensus splice site of the intron.

Literature cited by the submitters: PubMed 17576681; PubMed 9536098.